The following is an entry in ClinVar:

ClinVar aggregate classification (germline): Uncertain significance. Review status: criteria provided, multiple submitters, no conflicts (2 of 4 stars). 2 submissions from 2 submitters: Uncertain significance (2). Last evaluated 2022-09-27.

Conditions:
Bethlem myopathy 1A. Also called: Bethlem Muscular Dystrophy; Bethlem myopathy 1; MYOPATHY, BENIGN CONGENITAL, WITH CONTRACTURES. Identifiers: Orphanet 610, MedGen CN029274, MONDO:0024530, OMIM 158810.

Submissions (2):

Labcorp Genetics (formerly Invitae), Labcorp
Classification: Uncertain significance for Bethlem myopathy 1A. Last evaluated: 2022-09-27. Review status: criteria provided, single submitter. Criteria: Invitae Variant Classification Sherloc (09022015). Collection method: clinical testing. Allele origin: germline.
Comment: This variant has not been reported in the literature in individuals affected with COL6A1-related conditions. In summary, the available evidence is currently insufficient to determine the role of this variant in disease. Therefore, it has been classified as a Variant of Uncertain Significance. Experimental studies and prediction algorithms are not available or were not evaluated, and the effect of this variant on mRNA splicing is currently unknown. This variant is present in population databases (rs746026745, gnomAD 0.02%). This sequence change falls in intron 12 of the COL6A1 gene. It does not directly change the encoded amino acid sequence of the COL6A1 protein.

Revvity Omics, Revvity
Classification: Uncertain significance. Last evaluated: 2022-01-06. Review status: criteria provided, single submitter. Criteria: ACMG Guidelines, 2015. Collection method: clinical testing. Allele origin: germline.

NM_001848.3(COL6A1):c.958-3_958-2del

Gene: COL6A1 (collagen type VI alpha 1 chain; plus strand). Cytogenetic location: 21q22.3.
Variant type: Microsatellite.
Coding change: c.958-3_958-2del on transcript NM_001848.3 (MANE Select); 3 bases into the intron before coding-DNA position 958 through the canonical splice acceptor site of the intron before coding-DNA position 958, 2 bases deleted (CA; older notation c.958-3_958-2delCA).
Molecular consequence: splice acceptor variant.
Genome position (GRCh38, 1-based): chr21:45,990,375-45,990,376, CA deleted; deleting any 2 consecutive bases within chr21:45,990,373-45,990,376 gives the same sequence; the c. name uses the placement nearest the transcript's 3' end. VCF-style (leftmost placement, unchanged base first): chr21-45990372-TCA-T. GRCh37 (hg19) VCF-style: chr21-47410286-TCA-T.
Identifiers: ClinVar variation 2155273 (VCV002155273.7), dbSNP rs746026745, ClinGen allele CA10069943.